The following is an entry in ClinVar:

ClinVar aggregate classification (germline): Uncertain significance (1 of 4 stars; one submission).

Conditions:
Hereditary sensory and autonomic neuropathy type 1 (HSAN1). Also called: HSAN 1; HSN Type I; Hereditary Sensory Neuropathy Type I. Identifiers: Orphanet 36386, MedGen C0020071, MONDO:0018213.

Allele frequency attached by ClinVar (database versions not stated): TOPMed below 0.00001; gnomAD exomes below 0.00001 and 0.00001.

Submission:

Labcorp Genetics (formerly Invitae), Labcorp
Classification: Uncertain significance for Hereditary sensory and autonomic neuropathy type 1. Last evaluated: 2022-02-25. Review status: criteria provided, single submitter. Criteria: Invitae Variant Classification Sherloc (09022015). Collection method: clinical testing. Allele origin: germline.
Comment: In summary, the available evidence is currently insufficient to determine the role of this variant in disease. Therefore, it has been classified as a Variant of Uncertain Significance. This sequence change replaces proline, which is neutral and non-polar, with threonine, which is neutral and polar, at codon 89 of the SPTLC1 protein (p.Pro89Thr). This variant is present in population databases (no rsID available, gnomAD 0.002%). This variant has not been reported in the literature in individuals affected with SPTLC1-related conditions. Algorithms developed to predict the effect of missense changes on protein structure and function are either unavailable or do not agree on the potential impact of this missense change (SIFT: "Tolerated"; PolyPhen-2: "Possibly Damaging"; Align-GVGD: "Class C0").

NM_006415.4(SPTLC1):c.265C>A (p.Pro89Thr)

Gene: SPTLC1 (serine palmitoyltransferase long chain base subunit 1; minus strand). Cytogenetic location: 9q22.31.
Variant type: single nucleotide variant.
Coding change: c.265C>A on transcript NM_006415.4 (MANE Select); coding-DNA position 265, C replaced by A.
Protein change: p.Pro89Thr; replaces proline 89 with threonine.
Molecular consequence: missense variant. On other transcripts: 5 prime UTR variant (2).
Genome position (GRCh38, 1-based): chr9:92,080,959, G>T on the plus strand (C>A on the coding strand, the complement: SPTLC1 is on the minus strand). VCF-style: chr9-92080959-G-T. GRCh37 (hg19) VCF-style: chr9-94843241-G-T.
Other names: c.265C>A, p.Pro89Thr (NM_001281303.2, NM_178324.3); c.-235C>A (NM_001368272.1); c.-201C>A (NM_001368273.1); short protein forms P89T.
Identifiers: ClinVar variation 1425220 (VCV001425220.6), dbSNP rs1223494730, ClinGen allele CA373789057.